The following is an entry in ClinVar:

ClinVar aggregate classification (germline): Likely benign. Review status: criteria provided, multiple submitters, no conflicts (2 of 4 stars). 2 submissions from 2 submitters: Likely benign (2). Last evaluated 2026-07-07.

Conditions:
Rhabdoid tumor predisposition syndrome 2 (RTPS2). Identifiers: Orphanet 231108, Orphanet 69077, MedGen C2750074, MONDO:0013224, OMIM 613325.

Allele frequency attached by ClinVar (database versions not stated): gnomAD exomes 0.00001; gnomAD 0.00001; TOPMed below 0.00001.
gnomAD v4.1: 7 of 1,614,080 alleles (0.00043%); highest among the groups gnomAD compares: East Asian, 0.016%; no homozygotes.

Submissions (2):

Myriad Genetics, Inc.
Classification: Likely benign for Rhabdoid tumor predisposition syndrome 2. Last evaluated: 2026-07-07. Review status: criteria provided, single submitter. Criteria: Myriad Autosomal Dominant, Autosomal Recessive and X-Linked Classification Criteria (2023). Collection method: clinical testing. Allele origin: unknown.
Comment: This variant is considered likely benign. This variant is intronic and is not expected to impact mRNA splicing.

Labcorp Genetics (formerly Invitae), Labcorp
Classification: Likely benign for Rhabdoid tumor predisposition syndrome 2. Last evaluated: 2025-11-09. Review status: criteria provided, single submitter. Criteria: Invitae Variant Classification Sherloc (09022015). Collection method: clinical testing. Allele origin: germline.

NM_003072.5(SMARCA4):c.1762-11T>C

Gene: SMARCA4 (SWI/SNF related BAF chromatin remodeling complex subunit ATPase 4; plus strand). Cytogenetic location: 19p13.2.
Variant type: single nucleotide variant.
Coding change: c.1762-11T>C on transcript NM_003072.5 (MANE Select); 11 bases into the intron before coding-DNA position 1762, T replaced by C.
Molecular consequence: intron variant.
Genome position (GRCh38, 1-based): chr19:10,996,483, T>C. VCF-style: chr19-10996483-T-C. GRCh37 (hg19) VCF-style: chr19-11107159-T-C.
Other names: c.1762-11T>C (NM_001128844.3, NM_001128849.3, NM_001128847.4 and 5 more transcripts).
Identifiers: ClinVar variation 1617453 (VCV001617453.9), dbSNP rs1350024072, ClinGen allele CA783235733.